The following is an entry in ClinVar:

ClinVar aggregate classification (germline): Likely benign. Review status: criteria provided, multiple submitters, no conflicts (2 of 4 stars). 4 submissions from 4 submitters: Likely benign (4). Last evaluated 2025-09-20.

Conditions:
Hereditary cancer-predisposing syndrome. Also called: Hereditary Cancer Syndrome; Hereditary neoplastic syndrome; Neoplastic Syndromes, Hereditary; Tumor predisposition. Identifiers: Orphanet 140162, MedGen C0027672, MeSH D009386, MONDO:0015356.
Familial cancer of breast. Also called: Hereditary breast cancer; hereditary breast carcinoma; BREAST CANCER, FAMILIAL. Identifiers: Orphanet 227535, MedGen C0346153, MONDO:0016419, OMIM 114480. Disease mechanism: loss of function.

Allele frequency attached by ClinVar (database versions not stated): TOPMed below 0.00001; gnomAD exomes 0.00001 and below 0.00001.
gnomAD v4.1: 5 of 1,535,566 alleles (0.00033%); highest among the groups gnomAD compares: Admixed American, 0.0067%; no homozygotes.

Submissions (4):

Labcorp Genetics (formerly Invitae), Labcorp
Classification: Likely benign for Familial cancer of breast. Last evaluated: 2025-09-20. Review status: criteria provided, single submitter. Criteria: Invitae Variant Classification Sherloc (09022015). Collection method: clinical testing. Allele origin: germline.

ARUP Laboratories, Molecular Genetics and Genomics, ARUP Laboratories
Classification: Likely benign. Last evaluated: 2024-07-09. Review status: criteria provided, single submitter. Criteria: ARUP Molecular Germline Variant Investigation Process 2024. Collection method: clinical testing. Allele origin: germline.

Color Diagnostics, LLC DBA Color Health
Classification: Likely benign for Hereditary cancer-predisposing syndrome. Last evaluated: 2019-02-12. Review status: criteria provided, single submitter. Criteria: ACMG Guidelines, 2015. Collection method: clinical testing. Allele origin: germline.

GeneDx
Classification: Likely benign. Last evaluated: 2016-10-10. Review status: criteria provided, single submitter. Criteria: GeneDx Variant Classification (06012015). Collection method: clinical testing. Allele origin: germline. Affected: yes.
Comment: This variant is considered likely benign or benign based on one or more of the following criteria: it is a conservative change, it occurs at a poorly conserved position in the protein, it is predicted to be benign by multiple in silico algorithms, and/or has population frequency not consistent with disease.

NM_007194.4(CHEK2):c.792+17G>A

Gene: CHEK2 (checkpoint kinase 2; minus strand). Cytogenetic location: 22q12.1.
Variant type: single nucleotide variant.
Coding change: c.792+17G>A on transcript NM_007194.4 (MANE Select); 17 bases into the intron after coding-DNA position 792, G replaced by A.
Molecular consequence: intron variant.
Genome position (GRCh38, 1-based): chr22:28,711,892, C>T on the plus strand (G>A on the coding strand, the complement: CHEK2 is on the minus strand). VCF-style: chr22-28711892-C-T. GRCh37 (hg19) VCF-style: chr22-29107880-C-T.
Other names: c.129+17G>A (NM_001437942.1, NM_001257387.3); c.591+17G>A (NM_001349956.3); c.792+17G>A (NM_145862.3); c.885+17G>A (NM_001438295.1, NM_001438293.1); c.921+17G>A (NM_001438294.1, NM_001005735.3).
Identifiers: ClinVar variation 389993 (VCV000389993.13), dbSNP rs1057523609, ClinGen allele CA16608638.